The following is an entry in ClinVar:

NM_017934.7(PHIP):c.1096-5T>C

Gene: PHIP (PHIP subunit of CUL4-Ring ligase complex; minus strand). Cytogenetic location: 6q14.1.
Variant type: single nucleotide variant.
Coding change: c.1096-5T>C on transcript NM_017934.7 (MANE Select); 5 bases into the intron before coding-DNA position 1096, T replaced by C.
Molecular consequence: intron variant.
Genome position (GRCh38, 1-based): chr6:79,017,391, A>G on the plus strand (T>C on the coding strand, the complement: PHIP is on the minus strand). VCF-style: chr6-79017391-A-G. GRCh37 (hg19) VCF-style: chr6-79727108-A-G.
Identifiers: ClinVar variation 3354176 (VCV003354176.1).

ClinVar aggregate classification (germline): Likely benign (0 of 4 stars; one submission).

Conditions:
PHIP-related disorder. Also called: PHIP-related condition; PHIP-related disorders.

gnomAD v4.1: 1 of 1,584,952 alleles (0.000063%); highest among the groups gnomAD compares: Middle Eastern, 0.017%; no homozygotes.

Submission:

PreventionGenetics, part of Exact Sciences
Classification: Likely benign for PHIP-related condition. Last evaluated: 2022-10-25. Review status: no assertion criteria provided. Collection method: clinical testing. Allele origin: germline.
Comment: This variant is classified as likely benign based on ACMG/AMP sequence variant interpretation guidelines (Richards et al. 2015 PMID: 25741868, with internal and published modifications).